The following is an entry in ClinVar:

NM_001365951.3(KIF1B):c.2990G>A (p.Ser997Asn)

Gene: KIF1B (kinesin family member 1B; plus strand). Cytogenetic location: 1p36.22.
Variant type: single nucleotide variant.
Coding change: c.2990G>A on transcript NM_001365951.3 (MANE Select); coding-DNA position 2990, G replaced by A.
Protein change: p.Ser997Asn; replaces serine 997 with asparagine.
Molecular consequence: missense variant.
Genome position (GRCh38, 1-based): chr1:10,334,585, G>A. VCF-style: chr1-10334585-G-A. GRCh37 (hg19) VCF-style: chr1-10394643-G-A.
Other names: c.2990G>A, p.Ser997Asn (NM_001365952.1); c.2852G>A, p.Ser951Asn (NM_015074.3); short protein forms S951N, S997N.
Identifiers: ClinVar variation 3226420 (VCV003226420.1), dbSNP rs751630691, ClinGen allele CA581664.

ClinVar aggregate classification (germline): Uncertain significance (1 of 4 stars; one submission).

Allele frequency attached by ClinVar (database versions not stated): ExAC 0.00002.

Submission:

Ambry Genetics
Classification: Uncertain significance. Last evaluated: 2023-11-06. Review status: criteria provided, single submitter. Criteria: Ambry Variant Classification Scheme 2023. Collection method: clinical testing. Allele origin: germline.
Comment: The p.S951N variant (also known as c.2852G>A), located in coding exon 25 of the KIF1B gene, results from a G to A substitution at nucleotide position 2852. The serine at codon 951 is replaced by asparagine, an amino acid with highly similar properties. This amino acid position is conserved. In addition, this alteration is predicted to be tolerated by in silico analysis. Since supporting evidence is limited at this time, the clinical significance of this alteration remains unclear.